The following is an entry in ClinVar:

NM_003839.4(TNFRSF11A):c.1597T>A (p.Phe533Ile)

Gene: TNFRSF11A (TNF receptor superfamily member 11a; plus strand). Cytogenetic location: 18q21.33.
Variant type: single nucleotide variant.
Coding change: c.1597T>A on transcript NM_003839.4 (MANE Select); coding-DNA position 1597, T replaced by A.
Protein change: p.Phe533Ile; replaces phenylalanine 533 with isoleucine.
Molecular consequence: missense variant. On other transcripts: 3 prime UTR variant (1).
Genome position (GRCh38, 1-based): chr18:62,384,780, T>A. VCF-style: chr18-62384780-T-A. GRCh37 (hg19) VCF-style: chr18-60052013-T-A.
Other names: c.*21T>A (NM_001270949.2); c.760T>A, p.Phe254Ile (NM_001270950.2); c.646T>A, p.Phe216Ile (NM_001270951.2); c.1555T>A, p.Phe519Ile (NM_001278268.2); short protein forms F216I, F254I, F519I, F533I.
Identifiers: ClinVar variation 1721438 (VCV001721438.5), dbSNP rs2511620489, ClinGen allele CA402619767.

ClinVar aggregate classification (germline): Uncertain significance (1 of 4 stars; one submission).

Allele frequency attached by ClinVar (database versions not stated): gnomAD exomes below 0.00001.
gnomAD v4.1: 1 of 1,612,572 alleles (0.000062%); highest among the groups gnomAD compares: Non-Finnish European, 0.000085%; no homozygotes.

Submission:

Labcorp Genetics (formerly Invitae), Labcorp
Classification: Uncertain significance. Last evaluated: 2022-12-17. Review status: criteria provided, single submitter. Criteria: Invitae Variant Classification Sherloc (09022015). Collection method: clinical testing. Allele origin: germline.
Comment: This sequence change replaces phenylalanine, which is neutral and non-polar, with isoleucine, which is neutral and non-polar, at codon 533 of the TNFRSF11A protein (p.Phe533Ile). This variant is not present in population databases (gnomAD no frequency). This variant has not been reported in the literature in individuals affected with TNFRSF11A-related conditions. ClinVar contains an entry for this variant (Variation ID: 1721438). Algorithms developed to predict the effect of missense changes on protein structure and function are either unavailable or do not agree on the potential impact of this missense change (SIFT: "Deleterious"; PolyPhen-2: "Probably Damaging"; Align-GVGD: "Class C0"). In summary, the available evidence is currently insufficient to determine the role of this variant in disease. Therefore, it has been classified as a Variant of Uncertain Significance.